The following is an entry in ClinVar:

ClinVar aggregate classification (germline): Likely pathogenic (1 of 4 stars; one submission).

Submission:

Labcorp Genetics (formerly Invitae), Labcorp
Classification: Likely pathogenic. Last evaluated: 2024-06-04. Review status: criteria provided, single submitter. Criteria: Invitae Variant Classification Sherloc (09022015). Collection method: clinical testing. Allele origin: germline.
Comment: This sequence change replaces threonine, which is neutral and polar, with lysine, which is basic and polar, at codon 237 of the BEST1 protein (p.Thr237Lys). This variant is not present in population databases (gnomAD no frequency). This missense change has been observed in individual(s) with autosomal dominant Best disease (Invitae). Advanced modeling of protein sequence and biophysical properties (such as structural, functional, and spatial information, amino acid conservation, physicochemical variation, residue mobility, and thermodynamic stability) performed at Invitae indicates that this missense variant is expected to disrupt BEST1 protein function with a positive predictive value of 95%. This variant disrupts the p.Thr237 amino acid residue in BEST1. Other variant(s) that disrupt this residue have been determined to be pathogenic (PMID: 16612637). This suggests that this residue is clinically significant, and that variants that disrupt this residue are likely to be disease-causing. In summary, the currently available evidence indicates that the variant is pathogenic, but additional data are needed to prove that conclusively. Therefore, this variant has been classified as Likely Pathogenic.

Literature cited by the submitters: PubMed 16612637.

NM_004183.4(BEST1):c.710C>A (p.Thr237Lys)

Gene: BEST1 (bestrophin 1; plus strand). Cytogenetic location: 11q12.3.
Variant type: single nucleotide variant.
Coding change: c.710C>A on transcript NM_004183.4 (MANE Select); coding-DNA position 710, C replaced by A.
Protein change: p.Thr237Lys; replaces threonine 237 with lysine.
Molecular consequence: missense variant. On other transcripts: non-coding transcript variant (1).
Genome position (GRCh38, 1-based): chr11:61,957,460, C>A. VCF-style: chr11-61957460-C-A. GRCh37 (hg19) VCF-style: chr11-61724932-C-A.
Other names: c.530C>A, p.Thr177Lys (NM_001139443.3, NM_001300786.2, NM_001300787.2); c.392C>A, p.Thr131Lys (NM_001363591.3); c.-466C>A (NM_001363593.3); c.710C>A, p.Thr237Lys (NM_001363592.2); short protein forms T131K, T237K, T177K.
Identifiers: ClinVar variation 3634175 (VCV003634175.2).
Genomic context (GRCh38, chr11:61,957,460, plus strand): 5'-TGCGTACTCAGTGTGGACACCTGTATGCCTACGACTGGATTAGTATCCCACTGGTGTATA[C>A]ACAGGTGAGGACTAGGCTGGTGAGGCTGCCCTTTTGGGAAACTGAGGCTAGAAGGACCAA-3'
Protein context (NP_004174.1, residues 227-247): YDWISIPLVY[Thr237Lys]QVVTVAVYSF